The following is an entry in ClinVar:

NM_020911.2(PLXNA4):c.4426G>A (p.Ala1476Thr)

Gene: PLXNA4 (plexin A4; minus strand). Cytogenetic location: 7q32.3.
Variant type: single nucleotide variant.
Coding change: c.4426G>A on transcript NM_020911.2 (MANE Select); coding-DNA position 4426, G replaced by A.
Protein change: p.Ala1476Thr; replaces alanine 1476 with threonine.
Molecular consequence: missense variant.
Genome position (GRCh38, 1-based): chr7:132,164,216, C>T on the plus strand (G>A on the coding strand, the complement: PLXNA4 is on the minus strand). VCF-style: chr7-132164216-C-T. GRCh37 (hg19) VCF-style: chr7-131848975-C-T.
Other names: c.4426G>A, p.Ala1476Thr (NM_001393897.1); short protein forms A1476T.
Identifiers: ClinVar variation 4978898 (VCV004978898.1).

ClinVar aggregate classification (germline): Uncertain significance (1 of 4 stars; one submission).

Conditions:
PLXNA4-related disorder. Also called: PLXNA4-related condition.

gnomAD v4.1: 24 of 1,614,104 alleles (0.0015%); highest among the groups gnomAD compares: African/African-American, 0.0067%; no homozygotes.

Submission:

PreventionGenetics, part of Exact Sciences
Classification: Uncertain significance for PLXNA4-related condition. Last evaluated: 2025-01-15. Review status: criteria provided, single submitter. Criteria: ACMG Guidelines, 2015. Collection method: clinical testing. Allele origin: germline.
Comment: The PLXNA4 c.4426G>A variant is predicted to result in the amino acid substitution p.Ala1476Thr. To our knowledge, this variant has not been reported in the literature. This variant is reported in 0.0062% of alleles in individuals of African descent in gnomAD. At this time, the clinical significance of this variant is uncertain due to the absence of conclusive functional and genetic evidence.